The following is an entry in ClinVar:

NM_000492.4:c.(3963+1_3964-1)_(*1_?)del

Gene: CFTR (CF transmembrane conductance regulator; plus strand).
Variant type: Deletion.
Other names: CFTRdele22-24; c.(3963+1_3964-1)_(*1_?)del (NM_000492.4).
Identifiers: ClinVar variation 1706029 (VCV001706029.1).

ClinVar aggregate classification (germline): Pathogenic (1 of 4 stars; one submission).

Conditions:
Cystic fibrosis (CF). Also called: MUCOVISCIDOSIS. Identifiers: Orphanet 586, MedGen C0010674, MONDO:0009061, OMIM 219700. Disease mechanism: loss of function.

Submission:

Institute of Human Genetics, University of Leipzig Medical Center
Classification: Pathogenic for Cystic fibrosis. Last evaluated: 2022-09-05. Review status: criteria provided, single submitter. Criteria: ACMG Guidelines, 2015. Collection method: curation. Allele origin: unknown. Affected: yes. Observed: 2 variant alleles.
Comment: This variant was identified in 2 unrelated patients with a clinically confirmed diagnosis of cystic fibrosis. The variant was classified in the context of a project re-classifying variants in the German Cystic Fibrosis Registry (Muko.e.V.). Criteria applied: PVS1_STR, PM3_VSTR, PM2_SUP, PP4